The following is an entry in ClinVar:

NM_000264.5(PTCH1):c.344G>C (p.Gly115Ala)

Gene: PTCH1 (patched 1; minus strand). Cytogenetic location: 9q22.32.
Variant type: single nucleotide variant.
Coding change: c.344G>C on transcript NM_000264.5 (MANE Select); coding-DNA position 344, G replaced by C.
Protein change: p.Gly115Ala; replaces glycine 115 with alanine.
Molecular consequence: missense variant. On other transcripts: 5 prime UTR variant (4), non-coding transcript variant (1).
Genome position (GRCh38, 1-based): chr9:95,506,457, C>G on the plus strand (G>C on the coding strand, the complement: PTCH1 is on the minus strand). VCF-style: chr9-95506457-C-G. GRCh37 (hg19) VCF-style: chr9-98268739-C-G.
Other names: c.146G>C, p.Gly49Ala (NM_001083602.3, NM_001354919.2); c.341G>C, p.Gly114Ala (NM_001083603.3); c.-110G>C (NM_001083604.3, NM_001083605.3, NM_001083606.3 and 1 more transcripts); c.344G>C, p.Gly115Ala (NM_001354918.2); short protein forms G115A, G114A, G49A.
Identifiers: ClinVar variation 3784646 (VCV003784646.2).

ClinVar aggregate classification (germline): Uncertain significance (1 of 4 stars; one submission).

Conditions:
Hereditary cancer-predisposing syndrome. Also called: Hereditary Cancer Syndrome; Hereditary neoplastic syndrome; Neoplastic Syndromes, Hereditary; Tumor predisposition. Identifiers: Orphanet 140162, MedGen C0027672, MeSH D009386, MONDO:0015356.

gnomAD v4.1: 2 of 1,613,202 alleles (0.00012%); highest among the groups gnomAD compares: African/African-American, 0.0013%; no homozygotes.

Submission:

Ambry Genetics
Classification: Uncertain significance for Hereditary cancer-predisposing syndrome. Last evaluated: 2026-04-23. Review status: criteria provided, single submitter. Criteria: Ambry Variant Classification Scheme 2023. Collection method: clinical testing. Allele origin: germline.
Comment: The p.G115A variant (also known as c.344G>C), located in coding exon 2 of the PTCH1 gene, results from a G to C substitution at nucleotide position 344. The glycine at codon 115 is replaced by alanine, an amino acid with similar properties. This amino acid position is conserved. In addition, this alteration is predicted to be deleterious by in silico analysis. Based on the available evidence, the clinical significance of this variant remains unclear.